The following is an entry in ClinVar:

NM_004369.4(COL6A3):c.6618dup (p.Gly2207fs)

Gene: COL6A3 (collagen type VI alpha 3 chain; minus strand). Cytogenetic location: 2q37.3.
Variant type: Duplication.
Coding change: c.6618dup on transcript NM_004369.4 (MANE Select); coding-DNA position 6618, one base duplicated (C; older notation c.6618dupC).
Protein change: p.Gly2207fs; shifts the reading frame from glycine 2207.
Molecular consequence: frameshift variant.
Genome position (GRCh38, 1-based): chr2:237,354,908, G duplicated on the plus strand (C on the coding strand, the reverse complement: COL6A3 is on the minus strand); the first of 6 consecutive G bases (chr2:237,354,908-237,354,913); duplicating any one gives the same sequence. VCF-style (leftmost placement, unchanged base first): chr2-237354907-C-CG. GRCh37 (hg19) VCF-style: chr2-238263550-C-CG.
Other names: c.4797dup, p.Gly1600fs (NM_057166.5); c.6000dup, p.Gly2001fs (NM_057167.4); short protein forms G2001fs, G2207fs, G1600fs.
Identifiers: ClinVar variation 2706715 (VCV002706715.3), dbSNP rs2469845990, ClinGen allele CA2697550605.

ClinVar aggregate classification (germline): Pathogenic (1 of 4 stars; one submission).

Conditions:
Bethlem myopathy 1A. Also called: MYOPATHY, BENIGN CONGENITAL, WITH CONTRACTURES; Bethlem myopathy 1; Bethlem Muscular Dystrophy. Identifiers: Orphanet 610, MedGen CN029274, MONDO:0024530, OMIM 158810.

Submission:

Labcorp Genetics (formerly Invitae), Labcorp
Classification: Pathogenic for Bethlem myopathy 1A. Last evaluated: 2023-12-31. Review status: criteria provided, single submitter. Criteria: Invitae Variant Classification Sherloc (09022015). Collection method: clinical testing. Allele origin: germline.
Comment: This sequence change creates a premature translational stop signal (p.Gly2207Argfs*3) in the COL6A3 gene. It is expected to result in an absent or disrupted protein product. Loss-of-function variants in COL6A3 are known to be pathogenic (PMID: 26004199). This variant is not present in population databases (gnomAD no frequency). This variant has not been reported in the literature in individuals affected with COL6A3-related conditions. For these reasons, this variant has been classified as Pathogenic.

Literature cited by the submitters: PubMed 26004199.